The following is an entry in ClinVar:

ClinVar aggregate classification (germline): Uncertain significance (1 of 4 stars; one submission).

gnomAD v4.1: 6 of 1,611,640 alleles (0.00037%); highest among the groups gnomAD compares: Non-Finnish European, 0.00051%; no homozygotes.

Submission:

Labcorp Genetics (formerly Invitae), Labcorp
Classification: Uncertain significance. Last evaluated: 2025-08-24. Review status: criteria provided, single submitter. Criteria: Invitae Variant Classification Sherloc (09022015). Collection method: clinical testing. Allele origin: germline.
Comment: This sequence change replaces lysine, which is basic and polar, with threonine, which is neutral and polar, at codon 443 of the LZTS1 protein (p.Lys443Thr). This variant is not present in population databases (gnomAD no frequency). This variant has not been reported in the literature in individuals affected with LZTS1-related conditions. Invitae Evidence Modeling of protein sequence and biophysical properties (such as structural, functional, and spatial information, amino acid conservation, physicochemical variation, residue mobility, and thermodynamic stability) indicates that this missense variant is expected to disrupt LZTS1 protein function with a positive predictive value of 80%. In summary, the available evidence is currently insufficient to determine the role of this variant in disease. Therefore, it has been classified as a Variant of Uncertain Significance.

NM_021020.5(LZTS1):c.1328A>C (p.Lys443Thr)

Gene: LZTS1 (leucine zipper tumor suppressor 1; minus strand). Cytogenetic location: 8p21.3.
Variant type: single nucleotide variant.
Coding change: c.1328A>C on transcript NM_021020.5 (MANE Select); coding-DNA position 1328, A replaced by C.
Protein change: p.Lys443Thr; replaces lysine 443 with threonine.
Molecular consequence: missense variant.
Genome position (GRCh38, 1-based): chr8:20,250,185, T>G on the plus strand (A>C on the coding strand, the complement: LZTS1 is on the minus strand). VCF-style: chr8-20250185-T-G. GRCh37 (hg19) VCF-style: chr8-20107696-T-G.
Other names: c.1328A>C, p.Lys443Thr (NM_001362884.2); short protein forms K443T.
Identifiers: ClinVar variation 4702839 (VCV004702839.1).